The following is an entry in ClinVar:

ClinVar aggregate classification (germline): Uncertain significance (1 of 4 stars; one submission).

Allele frequency attached by ClinVar (database versions not stated): gnomAD exomes below 0.00001.
gnomAD v4.1: 1 of 1,614,146 alleles (0.000062%); highest among the groups gnomAD compares: Admixed American, 0.0017%; no homozygotes.

Submission:

Labcorp Genetics (formerly Invitae), Labcorp
Classification: Uncertain significance. Last evaluated: 2023-08-17. Review status: criteria provided, single submitter. Criteria: Invitae Variant Classification Sherloc (09022015). Collection method: clinical testing. Allele origin: germline.
Comment: In summary, the available evidence is currently insufficient to determine the role of this variant in disease. Therefore, it has been classified as a Variant of Uncertain Significance. This sequence change replaces aspartic acid, which is acidic and polar, with histidine, which is basic and polar, at codon 304 of the SERPING1 protein (p.Asp304His). This variant is not present in population databases (gnomAD no frequency). This variant has not been reported in the literature in individuals affected with SERPING1-related conditions. Advanced modeling of protein sequence and biophysical properties (such as structural, functional, and spatial information, amino acid conservation, physicochemical variation, residue mobility, and thermodynamic stability) has been performed at Invitae for this missense variant, however the output from this modeling did not meet the statistical confidence thresholds required to predict the impact of this variant on SERPING1 protein function.

NM_000062.3(SERPING1):c.910G>C (p.Asp304His)

Gene: SERPING1 (serpin family G member 1; plus strand). Cytogenetic location: 11q12.1.
Variant type: single nucleotide variant.
Coding change: c.910G>C on transcript NM_000062.3 (MANE Select); coding-DNA position 910, G replaced by C.
Protein change: p.Asp304His; replaces aspartic acid 304 with histidine.
Molecular consequence: missense variant.
Genome position (GRCh38, 1-based): chr11:57,606,428, G>C. VCF-style: chr11-57606428-G-C. GRCh37 (hg19) VCF-style: chr11-57373901-G-C.
Other names: c.910G>C, p.Asp304His (NM_001032295.2); short protein forms D304H.
Identifiers: ClinVar variation 2796576 (VCV002796576.3), dbSNP rs2495442154, ClinGen allele CA380700184.